The following is an entry in ClinVar:

ClinVar aggregate classification (germline): Uncertain significance. Review status: criteria provided, multiple submitters, no conflicts (2 of 4 stars). 2 submissions from 2 submitters: Uncertain significance (2). Last evaluated 2026-06-26.

Conditions:
RIPOR2-related disorder. Also called: RIPOR2-related condition.

gnomAD v4.1: 58 of 1,535,390 alleles (0.0038%); highest among the groups gnomAD compares: African/African-American, 0.066%; no homozygotes.

Submissions (2):

PreventionGenetics, part of Exact Sciences
Classification: Uncertain significance for RIPOR2-related condition. Last evaluated: 2026-06-26. Review status: criteria provided, single submitter. Criteria: ACMG Guidelines, 2015. Collection method: clinical testing. Allele origin: germline.
Comment: The RIPOR2 c.1837G>T variant is predicted to result in premature protein termination (p.Glu613*). To our knowledge, this variant has not been reported in the literature. This variant is reported in 0.074% of alleles in individuals of African descent in gnomAD. At this time, the clinical significance of this variant is uncertain due to the absence of conclusive functional and genetic evidence.

GeneDx
Classification: Uncertain significance. Last evaluated: 2024-08-26. Review status: criteria provided, single submitter. Criteria: GeneDx Variant Classification Process June 2021. Collection method: clinical testing. Allele origin: germline. Affected: yes.
Comment: Nonsense variant predicted to result in protein truncation as the last amino acid is lost; Has not been previously published as pathogenic or benign to our knowledge

NM_001286445.3(RIPOR2):c.1858-1437G>T

Gene: RIPOR2 (RHO family interacting cell polarization regulator 2; minus strand). Cytogenetic location: 6p22.3.
Variant type: single nucleotide variant.
Coding change: c.1858-1437G>T on transcript NM_001286445.3 (MANE Select); 1437 bases into the intron before coding-DNA position 1858, G replaced by T.
Molecular consequence: intron variant. On other transcripts: nonsense (2).
Genome position (GRCh38, 1-based): chr6:24,840,709, C>A on the plus strand (G>T on the coding strand, the complement: RIPOR2 is on the minus strand). VCF-style: chr6-24840709-C-A. GRCh37 (hg19) VCF-style: chr6-24840937-C-A.
Other names: c.1939G>T, p.Glu647Ter (NM_001286446.3); c.1837G>T, p.Glu613Ter (NM_001286447.2); c.1771-1437G>T (NM_001346031.2, NM_001346032.2); c.1921-1437G>T (NM_014722.5); c.1771-1110G>T (NM_015864.5); c.1837G>T (NM_001286447.1); short protein forms E613*, E647*.
Identifiers: ClinVar variation 3766061 (VCV003766061.2).